The following is an entry in ClinVar:

NM_000352.6(ABCC8):c.2538C>T (p.His846=)

Gene: ABCC8 (ATP binding cassette subfamily C member 8; minus strand). Cytogenetic location: 11p15.1.
Variant type: single nucleotide variant.
Coding change: c.2538C>T on transcript NM_000352.6 (MANE Select); coding-DNA position 2538, C replaced by T.
Protein change: p.His846=; no amino-acid change (histidine 846 retained).
Molecular consequence: synonymous variant. On other transcripts: non-coding transcript variant (1).
Genome position (GRCh38, 1-based): chr11:17,412,684, G>A on the plus strand (C>T on the coding strand, the complement: ABCC8 is on the minus strand). VCF-style: chr11-17412684-G-A. GRCh37 (hg19) VCF-style: chr11-17434231-G-A.
Other names: c.2541C>T, p.His847= (NM_001287174.3); c.2604C>T, p.His868= (NM_001351295.2); c.2538C>T, p.His846= (NM_001351296.2); c.2535C>T, p.His845= (NM_001351297.2).
Identifiers: ClinVar variation 157692 (VCV000157692.24), dbSNP rs73423037, ClinGen allele CA171062.

ClinVar aggregate classification (germline): Conflicting classifications of pathogenicity. Review status: criteria provided, conflicting classifications (1 of 4 stars). 11 submissions from 8 submitters: Uncertain significance (2); Benign (6); Likely benign (3). Last evaluated 2026-02-04.

Conditions:
Transitory neonatal diabetes mellitus. Also called: Transient neonatal diabetes mellitus. Identifiers: MedGen C0342273, MONDO:0020525, HP:0008255.
Maturity-onset diabetes of the young (MODY). Also called: Maturity onset diabetes mellitus in young. Identifiers: Orphanet 552, MedGen C0342276, MONDO:0018911, HP:0004904.
Hyperinsulinemic hypoglycemia, familial, 1 (HHF1). Also called: Persistent hyperinsulinemic hypoglycemia of infancy; NESIDIOBLASTOSIS OF PANCREAS; Persistent Hyperinsulinemia Hypoglycemia of Infancy; HYPERINSULINISM, FAMILIAL, WITH PANCREATIC NESIDIOBLASTOSIS; HYPOGLYCEMIA, HYPERINSULINEMIC, OF INFANCY. Identifiers: Orphanet 276575, Orphanet 276598, MedGen C2931832, MONDO:0009734, OMIM 256450.
Permanent neonatal diabetes mellitus (PNDM). Identifiers: Orphanet 99885, MedGen C1833104, MONDO:0100164, MONDO:0011643. Disease mechanism: gain of function.
Diabetes mellitus, transient neonatal, 2 (TNDM2). Identifiers: Orphanet 99886, MedGen C1835887, MONDO:0012480, OMIM 610374. Disease mechanism: loss of function.

Allele frequency attached by ClinVar (database versions not stated): gnomAD exomes 0.00113 and 0.00257; ExAC 0.00361; 1000 Genomes Project 30x 0.00703; 1000 Genomes Project 0.00739; gnomAD 0.00956 and 0.01028; ESP Exome Variant Server 0.01016; TOPMed 0.01085.
gnomAD v4.1: 3,179 of 1,611,952 alleles (0.2%); highest among the groups gnomAD compares: African/African-American, 3.3%; 58 homozygotes.

Submissions (11):

Labcorp Genetics (formerly Invitae), Labcorp
Classification: Benign. Last evaluated: 2026-02-04. Review status: criteria provided, single submitter. Criteria: Invitae Variant Classification Sherloc (09022015). Collection method: clinical testing. Allele origin: germline.

Blueprint Genetics
Classification: Likely benign. Last evaluated: 2024-11-20. Review status: criteria provided, single submitter. Criteria: ACMG Guidelines, 2015. Collection method: clinical testing. Allele origin: germline.

ARUP Laboratories, Molecular Genetics and Genomics, ARUP Laboratories
Classification: Benign. Last evaluated: 2023-11-29. Review status: criteria provided, single submitter. Criteria: ARUP Molecular Germline Variant Investigation Process 2024. Collection method: clinical testing. Allele origin: germline.

GeneDx
Classification: Benign. Last evaluated: 2020-01-13. Review status: criteria provided, single submitter. Criteria: GeneDx Variant Classification Process June 2021. Collection method: clinical testing. Allele origin: germline. Affected: yes.

Illumina Laboratory Services, Illumina
Classification: Benign for Permanent neonatal diabetes mellitus 1. Last evaluated: 2018-01-13. Review status: criteria provided, single submitter. Criteria: ICSL Variant Classification Criteria 13 December 2019. Collection method: clinical testing. Allele origin: germline.
Comment: This variant was observed in the ICSL laboratory as part of a predisposition screen in an ostensibly healthy population. It had not been previously curated by ICSL or reported in the Human Gene Mutation Database (HGMD: prior to June 1st, 2018), and was therefore a candidate for classification through an automated scoring system. Utilizing variant allele frequency, disease prevalence and penetrance estimates, and inheritance mode, an automated score was calculated to assess if this variant is too frequent to cause the disease. Based on the score and internal cut-off values, a variant classified as benign is not then subjected to further curation. The score for this variant resulted in a classification of benign for this disease.

Illumina Laboratory Services, Illumina
Classification: Likely benign for Hyperinsulinemic hypoglycemia, familial, 1. Last evaluated: 2018-01-13. Review status: criteria provided, single submitter. Criteria: ICSL Variant Classification Criteria 13 December 2019. Collection method: clinical testing. Allele origin: germline.
Comment: This variant was observed in the ICSL laboratory as part of a predisposition screen in an ostensibly healthy population. It had not been previously curated by ICSL or reported in the Human Gene Mutation Database (HGMD: prior to June 1st, 2018), and was therefore a candidate for classification through an automated scoring system. Utilizing variant allele frequency, disease prevalence and penetrance estimates, and inheritance mode, an automated score was calculated to assess if this variant is too frequent to cause the disease. Based on the score and internal cut-off values, a variant classified as likely benign is not then subjected to further curation. The score for this variant resulted in a classification of likely benign for this disease.

Illumina Laboratory Services, Illumina
Classification: Benign for Diabetes mellitus, transient neonatal, 2. Last evaluated: 2018-01-13. Review status: criteria provided, single submitter. Criteria: ICSL Variant Classification Criteria 13 December 2019. Collection method: clinical testing. Allele origin: germline.
Comment: the same text as in the submission from Illumina Laboratory Services, Illumina above.

Genetic Services Laboratory, University of Chicago
Classification: Likely benign. Last evaluated: 2013-11-04. Review status: criteria provided, single submitter. Criteria: ACMG Guidelines, 2007. Collection method: clinical testing. Allele origin: germline. Inheritance: Autosomal unknown.
Comment: Likely benign based on allele frequency in 1000 Genomes Project or ESP global frequency and its presence in a patient with a rare or unrelated disease phenotype. NOT Sanger confirmed

Clinical Genomics, Uppaluri K&H Personalized Medicine Clinic
Classification: Uncertain significance for Maturity-onset diabetes of the young. Review status: criteria provided, single submitter. Criteria: K & H Uppaluri Personalized Medicine Clinic Variant Classification & Assertion Criteria_Updated V.1. Collection method: research. Allele origin: somatic. Inheritance: Somatic mutation.
Comment: Mutations in ABCC8 gene are associated with both neonatal diabetes mellitus as well as MODY. Patients with this mutation may have a better response to sulfonylureas. However, no sufficient evidence is found to ascertain the role of this particular variant ( rs73423037) in MODY yet.

Clinical Genomics, Uppaluri K&H Personalized Medicine Clinic
Classification: Uncertain significance for Transitory neonatal diabetes mellitus. Review status: criteria provided, single submitter. Criteria: K & H Uppaluri Personalized Medicine Clinic Variant Classification & Assertion Criteria_Updated V.1. Collection method: research. Allele origin: somatic. Inheritance: Somatic mutation.
Comment: Mutations in ABCC8 gene are associated with both neonatal diabetes mellitus as well as MODY. Patients with this mutation may have a better response to sulfonylureas. However, no sufficient evidence is found to ascertain the role of this particular variant ( rs73423037) in neonatal diabetes yet.

PreventionGenetics, part of Exact Sciences
Classification: Benign. Review status: criteria provided, single submitter. Criteria: ACMG Guidelines, 2015. Collection method: clinical testing. Allele origin: germline.

Literature cited by the submitters: PubMed 16885549 (cited by Clinical Genomics, Uppaluri K&H Personalized Medicine Clinic); PubMed 21989597 (cited by Clinical Genomics, Uppaluri K&H Personalized Medicine Clinic); PubMed 27538677 (cited by Clinical Genomics, Uppaluri K&H Personalized Medicine Clinic); PubMed 18981553 (cited by Clinical Genomics, Uppaluri K&H Personalized Medicine Clinic); PubMed 32027066 (cited by Clinical Genomics, Uppaluri K&H Personalized Medicine Clinic); PubMed 16613899 (cited by Clinical Genomics, Uppaluri K&H Personalized Medicine Clinic); PubMed 18025408 (cited by Clinical Genomics, Uppaluri K&H Personalized Medicine Clinic); PubMed 32792356 (cited by Clinical Genomics, Uppaluri K&H Personalized Medicine Clinic).